The following is an entry in ClinVar:

NM_004415.4(DSP):c.5939T>C (p.Leu1980Pro)

Gene: DSP (desmoplakin; plus strand). Cytogenetic location: 6p24.3.
Variant type: single nucleotide variant.
Coding change: c.5939T>C on transcript NM_004415.4 (MANE Select); coding-DNA position 5939, T replaced by C.
Protein change: p.Leu1980Pro; replaces leucine 1980 with proline.
Molecular consequence: missense variant.
Genome position (GRCh38, 1-based): chr6:7,583,201, T>C. VCF-style: chr6-7583201-T-C. GRCh37 (hg19) VCF-style: chr6-7583434-T-C.
Other names: c.4142T>C, p.Leu1381Pro (NM_001008844.3); c.4610T>C, p.Leu1537Pro (NM_001319034.2); short protein forms L1381P, L1537P, L1980P.
Identifiers: ClinVar variation 1308707 (VCV001308707.2), dbSNP rs2113699137, ClinGen allele CA362689742.

ClinVar aggregate classification (germline): Uncertain significance (1 of 4 stars; one submission).

Submission:

GeneDx
Classification: Uncertain significance. Last evaluated: 2021-01-27. Review status: criteria provided, single submitter. Criteria: GeneDx Variant Classification Process June 2021. Collection method: clinical testing. Allele origin: germline. Affected: yes.
Comment: In silico analysis, which includes protein predictors and evolutionary conservation, supports a deleterious effect; Has not been previously published as pathogenic or benign to our knowledge; Not observed in large population cohorts (Lek et al., 2016)